The following is an entry in ClinVar:

ClinVar aggregate classification (germline): Uncertain significance (1 of 4 stars; one submission).

Conditions:
NPHP1-related disorder. Also called: NPHP1-related condition; NPHP1-related disorders.

gnomAD v4.1: 1 of 1,605,320 alleles (0.000062%); highest among the groups gnomAD compares: Admixed American, 0.0017%; no homozygotes.

Submission:

PreventionGenetics, part of Exact Sciences
Classification: Uncertain significance for NPHP1-related condition. Last evaluated: 2025-11-25. Review status: criteria provided, single submitter. Criteria: ACMG Guidelines, 2015. Collection method: clinical testing. Allele origin: germline.
Comment: The NPHP1 c.1580C>G variant is predicted to result in the amino acid substitution p.Pro527Arg. To our knowledge, this variant has not been reported in the literature or in a large population database (gnomAD), indicating this variant is rare. At this time, the clinical significance of this variant is uncertain due to the absence of conclusive functional and genetic evidence.

NM_001128178.3(NPHP1):c.1412C>G (p.Pro471Arg)

Gene: NPHP1 (nephrocystin 1; minus strand). Cytogenetic location: 2q13.
Variant type: single nucleotide variant.
Coding change: c.1412C>G on transcript NM_001128178.3 (MANE Select); coding-DNA position 1412, C replaced by G.
Protein change: p.Pro471Arg; replaces proline 471 with arginine.
Molecular consequence: missense variant.
Genome position (GRCh38, 1-based): chr2:110,144,510, G>C on the plus strand (C>G on the coding strand, the complement: NPHP1 is on the minus strand). VCF-style: chr2-110144510-G-C. GRCh37 (hg19) VCF-style: chr2-110902087-G-C.
Other names: c.1580C>G, p.Pro527Arg (NM_000272.5); c.1223C>G, p.Pro408Arg (NM_001128179.3); c.1409C>G, p.Pro470Arg (NM_001374256.1); c.1412C>G, p.Pro471Arg (NM_001374257.1); c.1577C>G, p.Pro526Arg (NM_207181.4); short protein forms P408R, P471R, P526R, P527R, P470R.
Identifiers: ClinVar variation 4985094 (VCV004985094.1).